The following is an entry in ClinVar:

NM_001843.4(CNTN1):c.3037C>A (p.Leu1013Ile)

Gene: CNTN1 (contactin 1; plus strand). Cytogenetic location: 12q12.
Variant type: single nucleotide variant.
Coding change: c.3037C>A on transcript NM_001843.4 (MANE Select); coding-DNA position 3037, C replaced by A.
Protein change: p.Leu1013Ile; replaces leucine 1013 with isoleucine.
Molecular consequence: missense variant.
Genome position (GRCh38, 1-based): chr12:41,070,015, C>A. VCF-style: chr12-41070015-C-A. GRCh37 (hg19) VCF-style: chr12-41463817-C-A.
Other names: c.3004C>A, p.Leu1002Ile (NM_175038.2); short protein forms L1002I, L1013I.
Identifiers: ClinVar variation 2245608 (VCV002245608.5), dbSNP rs201778720, ClinGen allele CA6517294.

ClinVar aggregate classification (germline): Uncertain significance. Review status: criteria provided, multiple submitters, no conflicts (2 of 4 stars). 2 submissions from 2 submitters: Uncertain significance (2). Last evaluated 2023-12-21.

Conditions:
Inborn genetic diseases. Identifiers: MedGen C0950123, MeSH D030342.
Compton-North congenital myopathy (CMYO12). Identifiers: Orphanet 210163, MedGen C2675527, MONDO:0012929, OMIM 612540.

gnomAD v4.1: 21 of 1,614,050 alleles (0.0013%); highest among the groups gnomAD compares: Non-Finnish European, 0.00085%; no homozygotes.

Submissions (2):

Labcorp Genetics (formerly Invitae), Labcorp
Classification: Uncertain significance for Compton-North congenital myopathy. Last evaluated: 2023-12-21. Review status: criteria provided, single submitter. Criteria: Invitae Variant Classification Sherloc (09022015). Collection method: clinical testing. Allele origin: germline.
Comment: This sequence change replaces leucine, which is neutral and non-polar, with isoleucine, which is neutral and non-polar, at codon 1013 of the CNTN1 protein (p.Leu1013Ile). This variant is present in population databases (rs201778720, gnomAD 0.004%). This variant has not been reported in the literature in individuals affected with CNTN1-related conditions. ClinVar contains an entry for this variant (Variation ID: 2245608). Advanced modeling of protein sequence and biophysical properties (such as structural, functional, and spatial information, amino acid conservation, physicochemical variation, residue mobility, and thermodynamic stability) performed at Invitae indicates that this missense variant is not expected to disrupt CNTN1 protein function with a negative predictive value of 95%. In summary, the available evidence is currently insufficient to determine the role of this variant in disease. Therefore, it has been classified as a Variant of Uncertain Significance.

Ambry Genetics
Classification: Uncertain significance for Inborn genetic diseases. Last evaluated: 2021-08-16. Review status: criteria provided, single submitter. Criteria: Ambry Variant Classification Scheme 2023. Collection method: clinical testing. Allele origin: germline.